The following is an entry in ClinVar:

ClinVar aggregate classification (germline): Likely benign. Review status: criteria provided, multiple submitters, no conflicts (2 of 4 stars). 8 submissions from 8 submitters: Likely benign (8). Last evaluated 2026-01-30.

Conditions:
Cardiovascular phenotype. Identifiers: MedGen CN230736.
Ehlers-Danlos syndrome (EDS). Identifiers: Orphanet 98249, MedGen C0013720, MONDO:0020066.

Allele frequency attached by ClinVar (database versions not stated): 1000 Genomes Project 0.00020; ExAC 0.00035; 1000 Genomes Project 30x 0.00047; gnomAD exomes 0.00053; TOPMed 0.00065; gnomAD 0.00066 and 0.00068.
gnomAD v4.1: 1,953 of 1,549,408 alleles (0.13%); highest among the groups gnomAD compares: Non-Finnish European, 0.16%; no homozygotes.

Submissions (8):

Labcorp Genetics (formerly Invitae), Labcorp
Classification: Likely benign. Last evaluated: 2026-01-30. Review status: criteria provided, single submitter. Criteria: Invitae Variant Classification Sherloc (09022015). Collection method: clinical testing. Allele origin: germline.

Women's Health and Genetics/Laboratory Corporation of America, LabCorp
Classification: Likely benign. Last evaluated: 2025-12-03. Review status: criteria provided, single submitter. Criteria: LabCorp Variant Classification Summary - May 2015. Collection method: clinical testing. Allele origin: germline.

Mayo Clinic Laboratories, Mayo Clinic
Classification: Likely benign. Last evaluated: 2025-09-22. Review status: criteria provided, single submitter. Criteria: ACMG Guidelines, 2015. Collection method: clinical testing. Allele origin: germline. Observed: 11 variant alleles.
Comment: BS1, BP4, BP7

Blueprint Genetics
Classification: Likely benign. Last evaluated: 2024-10-21. Review status: criteria provided, single submitter. Criteria: ACMG Guidelines, 2015. Collection method: clinical testing. Allele origin: germline.

CeGaT Center for Human Genetics Tuebingen
Classification: Likely benign. Last evaluated: 2024-08-01. Review status: criteria provided, single submitter. Criteria: CeGaT Center For Human Genetics Tuebingen Variant Classification Criteria Version 2. Collection method: clinical testing. Allele origin: germline. Affected: yes. Observed: 4 variant alleles.
Comment: ZNF469: BP4

GeneDx
Classification: Likely benign. Last evaluated: 2021-03-23. Review status: criteria provided, single submitter. Criteria: GeneDx Variant Classification Process June 2021. Collection method: clinical testing. Allele origin: germline. Affected: yes.

Genome Diagnostics Laboratory, The Hospital for Sick Children
Classification: Likely benign for Ehlers-Danlos syndrome. Last evaluated: 2020-04-01. Review status: criteria provided, single submitter. Criteria: ACMG Guidelines, 2015. Collection method: clinical testing. Allele origin: germline.

Ambry Genetics
Classification: Likely benign for Cardiovascular phenotype. Last evaluated: 2019-03-01. Review status: criteria provided, single submitter. Criteria: Ambry Variant Classification Scheme 2023. Collection method: clinical testing. Allele origin: germline.

NM_001367624.2(ZNF469):c.9696G>A (p.Thr3232=)

Gene: ZNF469 (zinc finger protein 469; plus strand). Cytogenetic location: 16q24.2.
Variant type: single nucleotide variant.
Coding change: c.9696G>A on transcript NM_001367624.2 (MANE Select); coding-DNA position 9696, G replaced by A.
Protein change: p.Thr3232=; no amino-acid change (threonine 3232 retained).
Molecular consequence: synonymous variant.
Genome position (GRCh38, 1-based): chr16:88,437,166, G>A. VCF-style: chr16-88437166-G-A. GRCh37 (hg19) VCF-style: chr16-88503574-G-A.
Other names: NM_001127464.1:c.9612G>A; NM_001127464.2:c.9612G>A; p.Thr3232=.
Identifiers: ClinVar variation 321007 (VCV000321007.60), dbSNP rs573582117, ClinGen allele CA8225446.